The following is an entry in ClinVar:

ClinVar aggregate classification (germline): Pathogenic (1 of 4 stars; one submission).

Submission:

Labcorp Genetics (formerly Invitae), Labcorp
Classification: Pathogenic. Last evaluated: 2025-03-24. Review status: criteria provided, single submitter. Criteria: Invitae Variant Classification Sherloc (09022015). Collection method: clinical testing. Allele origin: germline.
Comment: This sequence change creates a premature translational stop signal (p.Cys1303Alafs*86) in the ABCA4 gene. It is expected to result in an absent or disrupted protein product. Loss-of-function variants in ABCA4 are known to be pathogenic (PMID: 10958761, 24938718, 25312043, 26780318). This variant is not present in population databases (gnomAD no frequency). This variant has not been reported in the literature in individuals affected with ABCA4-related conditions. ClinVar contains an entry for this variant (Variation ID: 2755364). For these reasons, this variant has been classified as Pathogenic.

Literature cited by the submitters: PubMed 10958761; PubMed 24938718; PubMed 25312043; PubMed 26780318.

NM_000350.3(ABCA4):c.3907del (p.Cys1303fs)

Gene: ABCA4 (ATP binding cassette subfamily A member 4; minus strand). Cytogenetic location: 1p22.1.
Variant type: Deletion.
Coding change: c.3907del on transcript NM_000350.3 (MANE Select); coding-DNA position 3907, one base deleted (T; older notation c.3907delT).
Protein change: p.Cys1303fs; shifts the reading frame from cysteine 1303.
Molecular consequence: frameshift variant.
Genome position (GRCh38, 1-based): chr1:94,031,999, A deleted on the plus strand (T on the coding strand, the reverse complement: ABCA4 is on the minus strand). VCF-style (leftmost placement, unchanged base first): chr1-94031998-CA-C. GRCh37 (hg19) VCF-style: chr1-94497554-CA-C.
Other names: c.3685delT, p.Cys1229Alafs (NM_001425324.1); short protein forms C1303fs.
Identifiers: ClinVar variation 2755364 (VCV002755364.3), dbSNP rs2523734498, ClinGen allele CA2697552506.